The following is an entry in ClinVar:

NM_003477.3(PDHX):c.250del (p.Ala83_Val84insTer)

Gene: PDHX (pyruvate dehydrogenase complex component X; plus strand). Cytogenetic location: 11p13.
Variant type: Deletion.
Coding change: c.250del on transcript NM_003477.3 (MANE Select); coding-DNA position 250, one base deleted (G; older notation c.250delG).
Protein change: p.Ala83_Val84insTer.
Molecular consequence: nonsense.
Genome position (GRCh38, 1-based): chr11:34,947,514, G deleted; the last of 2 consecutive G bases (chr11:34,947,513-34,947,514); deleting either gives the same sequence. VCF-style (leftmost placement, unchanged base first): chr11-34947512-CG-C. GRCh37 (hg19) VCF-style: chr11-34969059-CG-C.
Other names: c.70del, p.Ala23_Val24insTer (NM_001135024.2); c.250del, p.Ala83_Val84insTer (NM_001166158.2).
Identifiers: ClinVar variation 3631223 (VCV003631223.2).

ClinVar aggregate classification (germline): Pathogenic (1 of 4 stars; one submission).

Submission:

Labcorp Genetics (formerly Invitae), Labcorp
Classification: Pathogenic. Last evaluated: 2024-05-13. Review status: criteria provided, single submitter. Criteria: Invitae Variant Classification Sherloc (09022015). Collection method: clinical testing. Allele origin: germline.
Comment: This sequence change creates a premature translational stop signal (p.Val84*) in the PDHX gene. It is expected to result in an absent or disrupted protein product. Loss-of-function variants in PDHX are known to be pathogenic (PMID: 16904023, 21914562). This variant is not present in population databases (gnomAD no frequency). This variant has not been reported in the literature in individuals affected with PDHX-related conditions. For these reasons, this variant has been classified as Pathogenic.

Literature cited by the submitters: PubMed 16904023; PubMed 21914562.